The following is an entry in ClinVar:

NM_000137.4(FAH):c.742G>A (p.Gly248Arg)

Gene: FAH (fumarylacetoacetate hydrolase; plus strand). Cytogenetic location: 15q25.1.
Variant type: single nucleotide variant.
Coding change: c.742G>A on transcript NM_000137.4 (MANE Select); coding-DNA position 742, G replaced by A.
Protein change: p.Gly248Arg; replaces glycine 248 with arginine.
Molecular consequence: missense variant.
Genome position (GRCh38, 1-based): chr15:80,173,049, G>A. VCF-style: chr15-80173049-G-A. GRCh37 (hg19) VCF-style: chr15-80465391-G-A.
Other names: c.742G>A, p.Gly248Arg (NM_001374377.1, NM_001374380.1); short protein forms G248R.
Identifiers: ClinVar variation 570041 (VCV000570041.15), dbSNP rs774861939, ClinGen allele CA7691330.

ClinVar aggregate classification (germline): Conflicting classifications of pathogenicity. Review status: criteria provided, conflicting classifications (1 of 4 stars). 7 submissions from 7 submitters: Pathogenic (2); Likely pathogenic (4); Uncertain significance (1). Last evaluated 2026-07-20.

Conditions:
Tyrosinemia type I (TYRSN1). Also called: FAH DEFICIENCY; Deficiency of fumarylacetoacetase; HEPATORENAL TYROSINEMIA; Tyrosinemia type 1; Fumarylacetoacetase deficiency. Identifiers: Orphanet 882, MedGen C0268490, MONDO:0010161, OMIM 276700. Disease mechanism: loss of function.

Allele frequency attached by ClinVar (database versions not stated): gnomAD exomes below 0.00001 and 0.00001; ExAC 0.00001; gnomAD 0.00001; TOPMed 0.00001.
gnomAD v4.1: 11 of 1,614,058 alleles (0.00068%); highest among the groups gnomAD compares: East Asian, 0.0022%; no homozygotes.

Submissions (7):

Myriad Genetics, Inc.
Classification: Likely pathogenic for Tyrosinemia type I. Last evaluated: 2026-07-20. Review status: criteria provided, single submitter. Criteria: Myriad Autosomal Dominant, Autosomal Recessive and X-Linked Classification Criteria (2023). Collection method: clinical testing. Allele origin: unknown.
Comment: NM_000137.2(FAH):c.742G>A(G248R) is a missense variant classified as likely pathogenic in the context of tyrosinemia type I. G248R has been observed in cases with relevant disease (PMID: 34938978, 31568711, Bergeron_2020_Article). Relevant functional assessments of this variant are not available in the literature. G248R has been observed in referenced population frequency databases. In summary, NM_000137.2(FAH):c.742G>A(G248R) is a missense variant that has been observed more frequently in cases with the relevant disease than in healthy populations. Please note: this variant was assessed in the context of healthy population screening.

Labcorp Genetics (formerly Invitae), Labcorp
Classification: Pathogenic for Tyrosinemia type I. Last evaluated: 2025-11-08. Review status: criteria provided, single submitter. Criteria: Invitae Variant Classification Sherloc (09022015). Collection method: clinical testing. Allele origin: germline.
Comment: This sequence change replaces glycine, which is neutral and non-polar, with arginine, which is basic and polar, at codon 248 of the FAH protein (p.Gly248Arg). This variant is present in population databases (rs774861939, gnomAD 0.003%). This missense change has been observed in individual(s) with tyrosinemia type I (PMID: 31568711; internal data). ClinVar contains an entry for this variant (Variation ID: 570041). Invitae Evidence Modeling of protein sequence and biophysical properties (such as structural, functional, and spatial information, amino acid conservation, physicochemical variation, residue mobility, and thermodynamic stability) indicates that this missense variant is expected to disrupt FAH protein function with a positive predictive value of 80%. For these reasons, this variant has been classified as Pathogenic.

Natera, Inc.
Classification: Likely pathogenic for Tyrosinemia type I. Last evaluated: 2025-10-08. Review status: criteria provided, single submitter. Criteria: Natera Variant Classification Schema (03/2026). Collection method: clinical testing. Allele origin: germline.
Comment: The c.742G>A variant in FAH is a missense variant predicted to cause substitution of glycine to arginine at amino acid 248. This variant is rare in the general population with a frequency below the threshold expected for the associated phenotype(s). This variant has been observed in one or more individuals affected with the associated recessive disease, as either homozygous or compound heterozygous with a second variant (PMID: 31568711, 34938978). This variant has been identified in one or more affected individual with a phenotype highly consistent with the associated gene (PMID: 31568711). Computational prediction algorithms indicate this variant is likely to affect gene or protein function. Given the available evidence, this variant is classified as Likely Pathogenic.

Immunogenetics and Transplant Biology Service, University Hospital "Città della Salute e della Scienza di Torino"
Classification: Pathogenic for Tyrosinemia type I. Last evaluated: 2025-06-28. Review status: criteria provided, single submitter. Criteria: ACMG Guidelines, 2015. Collection method: clinical testing. Allele origin: germline. Affected: yes.

GeneDx
Classification: Likely pathogenic. Last evaluated: 2025-04-22. Review status: criteria provided, single submitter. Criteria: GeneDx Variant Classification Process June 2021. Collection method: clinical testing. Allele origin: germline. Affected: yes.
Comment: Not observed at significant frequency in large population cohorts (gnomAD); In silico analysis supports that this missense variant has a deleterious effect on protein structure/function; This variant is associated with the following publications: (PMID: 31568711, 34938978)

Fulgent Genetics
Classification: Likely pathogenic for Tyrosinemia type I. Last evaluated: 2024-02-12. Review status: criteria provided, single submitter. Criteria: ACMG Guidelines, 2015. Collection method: clinical testing. Allele origin: germline.

Women's Health and Genetics/Laboratory Corporation of America, LabCorp
Classification: Uncertain significance. Last evaluated: 2023-08-17. Review status: criteria provided, single submitter. Criteria: LabCorp Variant Classification Summary - May 2015. Collection method: clinical testing. Allele origin: germline.
Comment: Variant summary: FAH c.742G>A (p.Gly248Arg) results in a non-conservative amino acid change in the encoded protein sequence. Five of five in-silico tools predict a damaging effect of the variant on protein function. The variant allele was found at a frequency of 8e-06 in 251494 control chromosomes (gnomAD). c.742G>A has been reported in the literature in a homozygous individual affected with Tyrosinemia Type 1 (example: Ibarra-Gonzalez_2019). These data indicate that the variant may be associated with disease. To our knowledge, no experimental evidence demonstrating an impact on protein function has been reported. The following publication has been ascertained in the context of this evaluation (PMID: 31568711). One submitter has cited clinical-significance assessments for this variant to ClinVar after 2014 and has classified the variant as pathogenic. Based on the evidence outlined above, the variant was classified as VUS-possibly pathogenic.

Literature cited by the submitters: PubMed 31568711 (cited by 3 submitters); PubMed 34938978 (cited by Natera, Inc.).